The following is an entry in ClinVar:

ClinVar aggregate classification (germline): Uncertain significance (1 of 4 stars; one submission).

Conditions:
Neurodegeneration with brain iron accumulation 6 (NBIA6). Also called: COASY protein-associated neurodegeneration. Identifiers: Orphanet 397725, MedGen C4517377, MONDO:0014290, OMIM 615643.

Submission:

Labcorp Genetics (formerly Invitae), Labcorp
Classification: Uncertain significance for Neurodegeneration with brain iron accumulation 6. Last evaluated: 2025-08-12. Review status: criteria provided, single submitter. Criteria: Invitae Variant Classification Sherloc (09022015). Collection method: clinical testing. Allele origin: germline.
Comment: This sequence change replaces valine, which is neutral and non-polar, with alanine, which is neutral and non-polar, at codon 430 of the COASY protein (p.Val430Ala). This variant is not present in population databases (gnomAD no frequency). This variant has not been reported in the literature in individuals affected with COASY-related conditions. Invitae Evidence Modeling of protein sequence and biophysical properties (such as structural, functional, and spatial information, amino acid conservation, physicochemical variation, residue mobility, and thermodynamic stability) indicates that this missense variant is expected to disrupt COASY protein function with a positive predictive value of 80%. In summary, the available evidence is currently insufficient to determine the role of this variant in disease. Therefore, it has been classified as a Variant of Uncertain Significance.

NM_025233.7(COASY):c.1289T>C (p.Val430Ala)

Gene: COASY (Coenzyme A synthase; plus strand). Cytogenetic location: 17q21.2.
Variant type: single nucleotide variant.
Coding change: c.1289T>C on transcript NM_025233.7 (MANE Select); coding-DNA position 1289, T replaced by C.
Protein change: p.Val430Ala; replaces valine 430 with alanine.
Molecular consequence: missense variant.
Genome position (GRCh38, 1-based): chr17:42,565,034, T>C. VCF-style: chr17-42565034-T-C. GRCh37 (hg19) VCF-style: chr17-40717052-T-C.
Other names: c.1289T>C, p.Val430Ala (NM_001042529.3); c.1376T>C, p.Val459Ala (NM_001042532.4); short protein forms V430A, V459A.
Identifiers: ClinVar variation 4744775 (VCV004744775.1).